The following is an entry in ClinVar:

NM_000140.5(FECH):c.275T>C (p.Leu92Pro)

Gene: FECH (ferrochelatase; minus strand). Cytogenetic location: 18q21.31.
Variant type: single nucleotide variant.
Coding change: c.275T>C on transcript NM_000140.5 (MANE Select); coding-DNA position 275, T replaced by C.
Protein change: p.Leu92Pro; replaces leucine 92 with proline.
Molecular consequence: missense variant.
Genome position (GRCh38, 1-based): chr18:57,573,285, A>G on the plus strand (T>C on the coding strand, the complement: FECH is on the minus strand). VCF-style: chr18-57573285-A-G. GRCh37 (hg19) VCF-style: chr18-55240517-A-G.
Other names: c.293T>C, p.Leu98Pro (NM_001012515.4); c.275T>C, p.Leu92Pro (NM_001371094.1, NM_001374778.1); c.59T>C, p.Leu20Pro (NM_001371095.1); short protein forms L20P, L92P, L98P.
Identifiers: ClinVar variation 3609779 (VCV003609779.2).

ClinVar aggregate classification (germline): Uncertain significance (1 of 4 stars; one submission).

Submission:

Labcorp Genetics (formerly Invitae), Labcorp
Classification: Uncertain significance. Last evaluated: 2024-04-01. Review status: criteria provided, single submitter. Criteria: Invitae Variant Classification Sherloc (09022015). Collection method: clinical testing. Allele origin: germline.
Comment: This sequence change replaces leucine, which is neutral and non-polar, with proline, which is neutral and non-polar, at codon 92 of the FECH protein (p.Leu92Pro). This variant is not present in population databases (gnomAD no frequency). This missense change has been observed in individual(s) with erythropoietic porphyrias (PMID: 30454868). Advanced modeling of protein sequence and biophysical properties (such as structural, functional, and spatial information, amino acid conservation, physicochemical variation, residue mobility, and thermodynamic stability) performed at Invitae indicates that this missense variant is expected to disrupt FECH protein function with a positive predictive value of 80%. In summary, the available evidence is currently insufficient to determine the role of this variant in disease. Therefore, it has been classified as a Variant of Uncertain Significance.

Literature cited by the submitters: PubMed 30454868.